The following is an entry in ClinVar:

ClinVar aggregate classification (germline): Uncertain significance (1 of 4 stars; one submission).

Conditions:
DNA ligase IV deficiency. Identifiers: Orphanet 99812, MedGen C1847827, MONDO:0011686, OMIM 606593.

Allele frequency attached by ClinVar (database versions not stated): gnomAD exomes 0.00001; gnomAD 0.00002 and 0.00003; TOPMed 0.00002; ExAC 0.00003; ESP Exome Variant Server 0.00015.
gnomAD v4.1: 13 of 1,613,346 alleles (0.00081%); highest among the groups gnomAD compares: Middle Eastern, 0.016%; no homozygotes.

Submission:

Labcorp Genetics (formerly Invitae), Labcorp
Classification: Uncertain significance for DNA ligase IV deficiency. Last evaluated: 2021-08-28. Review status: criteria provided, single submitter. Criteria: Invitae Variant Classification Sherloc (09022015). Collection method: clinical testing. Allele origin: germline.
Comment: This sequence change replaces phenylalanine with tyrosine at codon 886 of the LIG4 protein (p.Phe886Tyr). The phenylalanine residue is moderately conserved and there is a small physicochemical difference between phenylalanine and tyrosine. This variant is present in population databases (rs142374894, ExAC 0.005%). This variant has not been reported in the literature in individuals affected with LIG4-related conditions. Algorithms developed to predict the effect of missense changes on protein structure and function output the following: SIFT: "Tolerated"; PolyPhen-2: "Benign"; Align-GVGD: "Class C0". The tyrosine amino acid residue is found in multiple mammalian species, which suggests that this missense change does not adversely affect protein function. In summary, the available evidence is currently insufficient to determine the role of this variant in disease. Therefore, it has been classified as a Variant of Uncertain Significance.

NM_206937.2(LIG4):c.2657T>A (p.Phe886Tyr)

Gene: LIG4 (DNA ligase 4; minus strand). Cytogenetic location: 13q33.3.
Variant type: single nucleotide variant.
Coding change: c.2657T>A on transcript NM_206937.2 (MANE Select); coding-DNA position 2657, T replaced by A.
Protein change: p.Phe886Tyr; replaces phenylalanine 886 with tyrosine.
Molecular consequence: missense variant.
Genome position (GRCh38, 1-based): chr13:108,208,612, A>T on the plus strand (T>A on the coding strand, the complement: LIG4 is on the minus strand). VCF-style: chr13-108208612-A-T. GRCh37 (hg19) VCF-style: chr13-108860960-A-T.
Other names: c.2657T>A, p.Phe886Tyr (NM_001098268.2, NM_001352598.2, NM_001352599.2 and 6 more transcripts); c.2456T>A, p.Phe819Tyr (NM_001330595.2); c.2693T>A, p.Phe898Tyr (NM_001352604.2); short protein forms F886Y, F819Y, F898Y.
Identifiers: ClinVar variation 642740 (VCV000642740.6), dbSNP rs142374894, ClinGen allele CA7043450.
Genomic context (GRCh38, chr13:108,208,612, plus strand): 5'-TCTTCTTGTAATTCACACTTGTCTATTGAATCAGTTACCCAACTTTCTTTTAGGATTTTA[A>T]ACTTTCTCTTAAAAGTTCTTCTAAAAGCTTTAAAATCTGCAACACGACTATGATCTTCCC-3'
Protein context (NP_996820.1, residues 876-896): KAFRRTFKRK[Phe886Tyr]KILKESWVTD